The following is an entry in ClinVar:

ClinVar aggregate classification (germline): Pathogenic (1 of 4 stars; one submission).

Conditions:
Pontocerebellar hypoplasia type 2D (PCH2D). Also called: Progressive cerebello-cerebral atrophy. Identifiers: Orphanet 247198, Orphanet 2524, MedGen C3151140, MONDO:0013438, OMIM 613811.

gnomAD v4.1: 1 of 1,548,944 alleles (0.000065%); highest among the groups gnomAD compares: Non-Finnish European, 0.000087%; no homozygotes.

Submission:

Myriad Genetics, Inc.
Classification: Pathogenic for Pontocerebellar hypoplasia type 2D. Last evaluated: 2025-05-01. Review status: criteria provided, single submitter. Criteria: Myriad Autosomal Dominant, Autosomal Recessive and X-Linked Classification Criteria (2023). Collection method: clinical testing. Allele origin: unknown.
Comment: NM_016955.3(SEPSECS):c.51C>G(Y17*) is a nonsense variant classified as pathogenic in the context of pontocerebellar hypoplasia, SEPSECS-related. Y17* has not been observed in cases with relevant disease. Relevant functional assessments of this variant are not available in the literature. Y17* has been observed in referenced population frequency databases. In summary, NM_016955.3(SEPSECS):c.51C>G(Y17*) is a nonsense variant in a gene where loss of function is a known mechanism of disease and is predicted to disrupt protein function. Please note: this variant was assessed in the context of healthy population screening.

NM_016955.4(SEPSECS):c.51C>G (p.Tyr17Ter)

Gene: SEPSECS (Sep (O-phosphoserine) tRNA:Sec (selenocysteine) tRNA synthase; minus strand). Cytogenetic location: 4p15.2.
Variant type: single nucleotide variant.
Coding change: c.51C>G on transcript NM_016955.4 (MANE Select); coding-DNA position 51, C replaced by G.
Protein change: p.Tyr17Ter; replaces tyrosine 17 with a stop codon.
Molecular consequence: nonsense.
Genome position (GRCh38, 1-based): chr4:25,160,319, G>C on the plus strand (C>G on the coding strand, the complement: SEPSECS is on the minus strand). VCF-style: chr4-25160319-G-C. GRCh37 (hg19) VCF-style: chr4-25161941-G-C.
Other names: c.51C>G, p.Tyr17Ter (NM_001410714.1); short protein forms Y17*.
Identifiers: ClinVar variation 4081794 (VCV004081794.1).
Genomic context (GRCh38, chr4:25,160,319, plus strand): 5'-CTCCAGAAGCAGCCGTATGAGGTGCTCATGCGAGCGGCGGGCCTCACAGCCCTGCCGCAC[G>C]TAAGCCGGCGACACCAGCCGCTCTCCCGCCGCGAAGCTCTCGCGGTTCATGACAGCGGTG-3'